The following is an entry in ClinVar:

ClinVar aggregate classification (germline): Uncertain significance (1 of 4 stars; one submission).

Submission:

GeneDx
Classification: Uncertain significance. Last evaluated: 2026-03-18. Review status: criteria provided, single submitter. Criteria: GeneDx Variant Classification Process June 2021. Collection method: clinical testing. Allele origin: germline.
Comment: Not observed at significant frequency in large population cohorts (gnomAD); In silico analysis supports that this missense variant has a deleterious effect on protein structure/function; Has not been previously published as pathogenic or benign to our knowledge

NM_022893.4(BCL11A):c.1184A>G (p.His395Arg)

Gene: BCL11A (BCL11 transcription factor A; minus strand). Cytogenetic location: 2p16.1.
Variant type: single nucleotide variant.
Coding change: c.1184A>G on transcript NM_022893.4 (MANE Select); coding-DNA position 1184, A replaced by G.
Protein change: p.His395Arg; replaces histidine 395 with arginine.
Molecular consequence: missense variant. On other transcripts: intron variant (6).
Genome position (GRCh38, 1-based): chr2:60,461,728, T>C on the plus strand (A>G on the coding strand, the complement: BCL11A is on the minus strand). VCF-style: chr2-60461728-T-C. GRCh37 (hg19) VCF-style: chr2-60688863-T-C.
Other names: c.1082A>G, p.His361Arg (NM_001363864.1, NM_001365609.1, NM_001405711.1 and 2 more transcripts); c.1184A>G, p.His395Arg (NM_001405708.1, NM_001405709.1, NM_001405710.1 and 1 more transcripts); c.1028A>G, p.His343Arg (NM_001405713.1, NM_001405714.1, NM_001405715.1 and 3 more transcripts); c.926A>G, p.His309Arg (NM_001405717.1, NM_001405718.1, NM_001405724.1); c.851A>G, p.His284Arg (NM_001405720.1, NM_001405721.1); c.728A>G, p.His243Arg (NM_001405725.1, NM_001405726.1, NM_001405727.1 and 1 more transcripts); c.491A>G, p.His164Arg (NM_001405729.1); c.647A>G, p.His216Arg (NM_001405730.1); and 5 more; short protein forms H343R, H361R, H64R, H216R, H284R, H395R, H164R, H243R.
Identifiers: ClinVar variation 5009216 (VCV005009216.1).